The following is an entry in ClinVar:

NM_000535.7(PMS2):c.1450C>A (p.Pro484Thr)

Gene: PMS2 (PMS1 homolog 2, mismatch repair system component; minus strand). Cytogenetic location: 7p22.1.
Variant type: single nucleotide variant.
Coding change: c.1450C>A on transcript NM_000535.7 (MANE Select); coding-DNA position 1450, C replaced by A.
Protein change: p.Pro484Thr; replaces proline 484 with threonine.
Molecular consequence: missense variant. On other transcripts: non-coding transcript variant (1).
Genome position (GRCh38, 1-based): chr7:5,987,315, G>T on the plus strand (C>A on the coding strand, the complement: PMS2 is on the minus strand). VCF-style: chr7-5987315-G-T. GRCh37 (hg19) VCF-style: chr7-6026946-G-T.
Other names: c.1045C>A, p.Pro349Thr (NM_001322003.2, NM_001322004.2, NM_001322005.2 and 1 more transcripts); c.1294C>A, p.Pro432Thr (NM_001322006.2); c.1132C>A, p.Pro378Thr (NM_001322007.2, NM_001322008.2); c.889C>A, p.Pro297Thr (NM_001322010.2); c.517C>A, p.Pro173Thr (NM_001322011.2, NM_001322012.2); c.877C>A, p.Pro293Thr (NM_001322013.2); c.1450C>A, p.Pro484Thr (NM_001322014.2); c.1141C>A, p.Pro381Thr (NM_001322015.2); short protein forms P484T, P378T, P293T, P173T, P349T, P432T, P297T, P381T.
Identifiers: ClinVar variation 484305 (VCV000484305.11), dbSNP rs752122569, ClinGen allele CA043660.

ClinVar aggregate classification (germline): Uncertain significance. Review status: criteria provided, multiple submitters, no conflicts (2 of 4 stars). 2 submissions from 2 submitters: Uncertain significance (2). Last evaluated 2025-10-07.

Conditions:
Hereditary nonpolyposis colorectal neoplasms. Identifiers: MedGen C0009405, MeSH D003123.
Hereditary cancer-predisposing syndrome. Also called: Neoplastic Syndromes, Hereditary; Tumor predisposition; Hereditary Cancer Syndrome; Hereditary neoplastic syndrome. Identifiers: Orphanet 140162, MedGen C0027672, MeSH D009386, MONDO:0015356.

Allele frequency attached by ClinVar (database versions not stated): gnomAD exomes below 0.00001 and 0.00001; ExAC 0.00001; gnomAD 0.00001; TOPMed 0.00001.
gnomAD v4.1: 3 of 1,613,972 alleles (0.00019%); highest among the groups gnomAD compares: East Asian, 0.0067%; no homozygotes.

Submissions (2):

Labcorp Genetics (formerly Invitae), Labcorp
Classification: Uncertain significance for Hereditary nonpolyposis colorectal neoplasms. Last evaluated: 2025-10-07. Review status: criteria provided, single submitter. Criteria: Invitae Variant Classification Sherloc (09022015). Collection method: clinical testing. Allele origin: germline.
Comment: This sequence change replaces proline, which is neutral and non-polar, with threonine, which is neutral and polar, at codon 484 of the PMS2 protein (p.Pro484Thr). This variant is present in population databases (rs752122569, gnomAD 0.01%). This missense change has been observed in individual(s) with colorectal cancer (PMID: 24362816, 28466842, 32914570). ClinVar contains an entry for this variant (Variation ID: 484305). Invitae Evidence Modeling incorporating data from in vitro experimental studies (internal data) indicates that this missense variant is not expected to disrupt PMS2 function with a negative predictive value of 95%. In summary, the available evidence is currently insufficient to determine the role of this variant in disease. Therefore, it has been classified as a Variant of Uncertain Significance.

Ambry Genetics
Classification: Uncertain significance for Hereditary cancer-predisposing syndrome. Last evaluated: 2024-10-10. Review status: criteria provided, single submitter. Criteria: Ambry Variant Classification Scheme 2023. Collection method: clinical testing. Allele origin: germline.
Comment: The p.P484T variant (also known as c.1450C>A), located in coding exon 11 of the PMS2 gene, results from a C to A substitution at nucleotide position 1450. The proline at codon 484 is replaced by threonine, an amino acid with highly similar properties. This alteration, which the authors classify as a variant of uncertain significance, was identified in an Icelandic population genome-wide association study in both the colon cancer subject group and in controls (Haraldsdottir S et al. Nat Commun. 2017 May;8:14755). IHC showed loss of expression of MLH1 and PMS2 (Jiang TJ et al. Cancer Commun (Lond), 2020 Nov;40:620-632). This amino acid position is poorly conserved in available vertebrate species. In addition, this alteration is predicted to be tolerated by in silico analysis. Based on the available evidence, the clinical significance of this variant remains unclear.

Literature cited by the submitters: PubMed 24362816 (cited by Labcorp Genetics (formerly Invitae), Labcorp); PubMed 28466842 (cited by Labcorp Genetics (formerly Invitae), Labcorp and Ambry Genetics); PubMed 32914570 (cited by Labcorp Genetics (formerly Invitae), Labcorp and Ambry Genetics).